The following is an entry in ClinVar:

NM_001267550.2(TTN):c.82691C>T (p.Ala27564Val)

Genes: TTN-AS1 (TTN antisense RNA 1; plus strand), TTN (titin; minus strand). Cytogenetic location: 2q31.2.
Variant type: single nucleotide variant.
Coding change: c.82691C>T on transcript NM_001267550.2 (MANE Select); coding-DNA position 82691, C replaced by T.
Protein change: p.Ala27564Val; replaces alanine 27564 with valine.
Molecular consequence: missense variant.
Genome position (GRCh38, 1-based): chr2:178,563,441, G>A on the plus strand (C>T on the coding strand, the complement: TTN is on the minus strand). VCF-style: chr2-178563441-G-A. GRCh37 (hg19) VCF-style: chr2-179428168-G-A.
Other names: p.A25923V:GCG>GTG; c.77768C>T, p.Ala25923Val (NM_001256850.1); c.74987C>T, p.Ala24996Val (NM_133378.4); c.55496C>T, p.Ala18499Val (NM_003319.4); c.55871C>T, p.Ala18624Val (NM_133432.3); c.56072C>T, p.Ala18691Val (NM_133437.4); short protein forms A27564V, A24996V, A25923V, A18691V, A18624V, A18499V.
Identifiers: ClinVar variation 47416 (VCV000047416.77), dbSNP rs55634791, ClinGen allele CA140936.

ClinVar aggregate classification (germline): Conflicting classifications of pathogenicity. Review status: criteria provided, conflicting classifications (1 of 4 stars). 23 submissions from 19 submitters: Uncertain significance (6); Benign (3); Likely benign (8). 6 of the submissions do not count toward it. Last evaluated 2026-08-01.

Conditions:
TTN-related disorder. Also called: TTN-related disorders; TTN-related condition; TTN-related disease.
Cardiovascular phenotype. Identifiers: MedGen CN230736.
Autosomal recessive limb-girdle muscular dystrophy type 2J (LGMDR10). Also called: MUSCULAR DYSTROPHY, LIMB-GIRDLE, AUTOSOMAL RECESSIVE 10; Limb-girdle muscular dystrophy, type 2J. Identifiers: Orphanet 140922, MedGen C1837342, MONDO:0012127, OMIM 608807.
Dilated cardiomyopathy 1G (CMD1G). Identifiers: Orphanet 154, MedGen C1858763, MONDO:0011400, OMIM 604145.
Cardiomyopathy (CMYO). Also called: Cardiomyopathies. Identifiers: Orphanet 167848, MedGen C0878544, MONDO:0004994, HP:0001638. Inheritance: Various modes of inheritance.
Early-onset myopathy with fatal cardiomyopathy (CMYO5). Also called: CONGENITAL MYOPATHY 5 WITH CARDIOMYOPATHY; Salih Myopathy. Identifiers: Orphanet 289377, MedGen C2673677, MONDO:0012714, OMIM 611705. Disease mechanism: loss of function.
Myopathy, myofibrillar, 9, with early respiratory failure (MFM9). Also called: Myopathy, distal, with early respiratory failure, autosomal dominant; Hereditary myopathy with early respiratory failure; EDSTROM MYOPATHY; MYOPATHY, PROXIMAL, WITH EARLY RESPIRATORY MUSCLE INVOLVEMENT. Identifiers: Orphanet 178464, Orphanet 34521, MedGen C1863599, MONDO:0011362, OMIM 603689.
Tibial muscular dystrophy (TMD). Also called: Tibial muscular dystrophy, tardive; Udd Distal Myopathy – Tibial Muscular Dystrophy; UDD MYOPATHY. Identifiers: Orphanet 609, MedGen C1838244, MONDO:0010870, OMIM 600334.

Allele frequency attached by ClinVar (database versions not stated): ESP Exome Variant Server 0.00041; ExAC 0.00075; gnomAD 0.00102; gnomAD exomes 0.00065 and 0.00124; TOPMed 0.00067.
gnomAD v4.1: 1,907 of 1,613,416 alleles (0.12%); highest among the groups gnomAD compares: Non-Finnish European, 0.15%; 1 homozygote.

Submissions (23):

CeGaT Center for Human Genetics Tuebingen
Classification: Uncertain significance. Last evaluated: 2026-08-01. Review status: criteria provided, single submitter. Criteria: CeGaT Center For Human Genetics Tuebingen Variant Classification Criteria Version 2. Collection method: clinical testing. Allele origin: germline. Affected: yes. Observed: 11 variant alleles.

Labcorp Genetics (formerly Invitae), Labcorp
Classification: Likely benign for Dilated cardiomyopathy 1G; Autosomal recessive limb-girdle muscular dystrophy type 2J. Last evaluated: 2026-02-04. Review status: criteria provided, single submitter. Criteria: Invitae Variant Classification Sherloc (09022015). Collection method: clinical testing. Allele origin: germline.

PreventionGenetics, part of Exact Sciences
Classification: Likely benign for TTN-related condition. Last evaluated: 2025-09-10. Review status: criteria provided, single submitter. Criteria: ACMG Guidelines, 2015. Collection method: clinical testing. Allele origin: germline.
Comment: This variant is classified as likely benign based on ACMG/AMP sequence variant interpretation guidelines (Richards et al. 2015 PMID: 25741868, with internal and published modifications).

Mayo Clinic Laboratories, Mayo Clinic
Classification: Likely benign. Last evaluated: 2025-08-27. Review status: criteria provided, single submitter. Criteria: ACMG Guidelines, 2015. Collection method: clinical testing. Allele origin: germline. Observed: 3 variant alleles.
Comment: BP4

Molecular Diagnostic Laboratory for Inherited Cardiovascular Disease, Montreal Heart Institute
Classification: Likely benign. Last evaluated: 2025-04-09. Review status: criteria provided, single submitter. Criteria: ACMG Guidelines, 2015. Collection method: clinical testing. Allele origin: germline. Affected: no.

Blueprint Genetics
Classification: Likely benign. Last evaluated: 2024-11-08. Review status: criteria provided, single submitter. Criteria: ACMG Guidelines, 2015. Collection method: clinical testing. Allele origin: germline.

CHEO Genetics Diagnostic Laboratory, Children's Hospital of Eastern Ontario
Classification: Benign for Cardiomyopathy. Last evaluated: 2020-12-31. Review status: criteria provided, single submitter. Criteria: ACMG Guidelines, 2015. Collection method: clinical testing. Allele origin: germline.

GeneDx
Classification: Likely benign. Last evaluated: 2020-09-10. Review status: criteria provided, single submitter. Criteria: GeneDx Variant Classification Process June 2021. Collection method: clinical testing. Allele origin: germline. Affected: yes.

Women's Health and Genetics/Laboratory Corporation of America, LabCorp
Classification: Likely benign. Last evaluated: 2020-06-29. Review status: criteria provided, single submitter. Criteria: LabCorp Variant Classification Summary - May 2015. Collection method: clinical testing. Allele origin: germline.
Comment: Variant summary: TTN c.74987C>T (p.Ala24996Val) results in a non-conservative amino acid change located in the A-band region of the encoded protein sequence. Three of five in-silico tools predict a benign effect of the variant on protein function. The variant allele was found at a frequency of 0.00065 in 248272 control chromosomes, predominantly at a frequency of 0.0012 within the Non-Finnish European subpopulation in the gnomAD database. The observed variant frequency within Non-Finnish European control individuals in the gnomAD database is approximately 2-fold of the estimated maximal expected allele frequency for a pathogenic variant in TTN causing Cardiomyopathy phenotype (0.00063), strongly suggesting that the variant is a benign polymorphism found primarily in populations of Non-Finnish European origin. To our knowledge, the variant c.74987C>T, has not been reported in the literature in individuals affected with Cardiomyopathy, and no experimental evidence demonstrating an impact on protein function has been reported. Five clinical diagnostic laboratories have submitted clinical-significance assessments for this variant to ClinVar after 2014 without evidence for independent evaluation. Multiple laboratories reported the variant with conflicting assessments. Based on the evidence outlined above, the variant was classified as likely benign.

Ambry Genetics
Classification: Likely benign for Cardiovascular phenotype. Last evaluated: 2019-04-24. Review status: criteria provided, single submitter. Criteria: Ambry Variant Classification Scheme 2023. Collection method: clinical testing. Allele origin: germline.

Illumina Laboratory Services, Illumina
Classification: Uncertain significance for Early-onset myopathy with fatal cardiomyopathy. Last evaluated: 2018-01-12. Review status: criteria provided, single submitter. Criteria: ICSL Variant Classification Criteria 13 December 2019. Collection method: clinical testing. Allele origin: germline.

Illumina Laboratory Services, Illumina
Classification: Benign for Tibial muscular dystrophy. Last evaluated: 2018-01-12. Review status: criteria provided, single submitter. Criteria: ICSL Variant Classification Criteria 13 December 2019. Collection method: clinical testing. Allele origin: germline.
Comment: This variant was observed in the ICSL laboratory as part of a predisposition screen in an ostensibly healthy population. It had not been previously curated by ICSL or reported in the Human Gene Mutation Database (HGMD: prior to June 1st, 2018), and was therefore a candidate for classification through an automated scoring system. Utilizing variant allele frequency, disease prevalence and penetrance estimates, and inheritance mode, an automated score was calculated to assess if this variant is too frequent to cause the disease. Based on the score and internal cut-off values, a variant classified as benign is not then subjected to further curation. The score for this variant resulted in a classification of benign for this disease.

Illumina Laboratory Services, Illumina
Classification: Uncertain significance for Autosomal recessive limb-girdle muscular dystrophy type 2J. Last evaluated: 2018-01-12. Review status: criteria provided, single submitter. Criteria: ICSL Variant Classification Criteria 13 December 2019. Collection method: clinical testing. Allele origin: germline.

Illumina Laboratory Services, Illumina
Classification: Uncertain significance for Dilated cardiomyopathy 1G. Last evaluated: 2018-01-12. Review status: criteria provided, single submitter. Criteria: ICSL Variant Classification Criteria 13 December 2019. Collection method: clinical testing. Allele origin: germline.

Illumina Laboratory Services, Illumina
Classification: Benign for Myopathy, myofibrillar, 9, with early respiratory failure. Last evaluated: 2018-01-12. Review status: criteria provided, single submitter. Criteria: ICSL Variant Classification Criteria 13 December 2019. Collection method: clinical testing. Allele origin: germline.
Comment: the same text as in the submission from Illumina Laboratory Services, Illumina above.

Laboratory for Molecular Medicine, Mass General Brigham Personalized Medicine
Classification: Uncertain significance. Last evaluated: 2017-06-28. Review status: criteria provided, single submitter. Criteria: LMM Criteria. Collection method: clinical testing. Allele origin: germline. Observed: 2 variant alleles.
Comment: Computational prediction tools and conservat ion analysis do not provide strong support for or against an impact to the prote in. In summary, the clinical significance of the p.Ala24996Val variant is uncert ain.

Eurofins Ntd Llc (ga)
Classification: Uncertain significance. Last evaluated: 2015-07-24. Review status: criteria provided, single submitter. Criteria: EGL Classification Definitions 2015. Collection method: clinical testing. Allele origin: germline. Observed: 8 variant alleles, 8 heterozygotes.

Clinical Genetics DNA and cytogenetics Diagnostics Lab, Erasmus MC, Erasmus Medical Center
Classification: Likely benign. Review status: no assertion criteria provided. Collection method: clinical testing. Allele origin: germline. Affected: yes. Study: VKGL Data-share Consensus. Not counted in ClinVar's aggregate classification.

Clinical Genetics, Academic Medical Center
Classification: Benign. Review status: no assertion criteria provided. Collection method: clinical testing. Allele origin: germline. Affected: yes. Study: VKGL Data-share Consensus. Not counted in ClinVar's aggregate classification.

Diagnostic Laboratory, Department of Genetics, University Medical Center Groningen
Classification: Likely benign. Review status: no assertion criteria provided. Collection method: clinical testing. Allele origin: germline. Affected: yes. Study: VKGL Data-share Consensus. Not counted in ClinVar's aggregate classification.

Genome Diagnostics Laboratory, University Medical Center Utrecht
Classification: Likely benign. Review status: no assertion criteria provided. Collection method: clinical testing. Allele origin: germline. Affected: yes. Study: VKGL Data-share Consensus. Not counted in ClinVar's aggregate classification.

Joint Genome Diagnostic Labs from Nijmegen and Maastricht, Radboudumc and MUMC+
Classification: Likely benign. Review status: no assertion criteria provided. Collection method: clinical testing. Allele origin: germline. Affected: yes. Study: VKGL Data-share Consensus. Not counted in ClinVar's aggregate classification.

Laboratory of Diagnostic Genome Analysis, Leiden University Medical Center (LUMC)
Classification: Likely benign. Review status: no assertion criteria provided. Collection method: clinical testing. Allele origin: germline. Affected: yes. Study: VKGL Data-share Consensus. Not counted in ClinVar's aggregate classification.

Literature cited by the submitters: PubMed 30615648 (cited by Mayo Clinic Laboratories, Mayo Clinic and Women's Health and Genetics/Laboratory Corporation of America, LabCorp); PubMed 32746448 (cited by Mayo Clinic Laboratories, Mayo Clinic).